The following is an entry in ClinVar:

ClinVar aggregate classification (germline): Uncertain significance (1 of 4 stars; one submission).

Conditions:
Gorlin syndrome. Also called: Nevoid Basal Cell Carcinoma Syndrome; Basal cell nevus syndrome. Identifiers: Orphanet 377, MedGen C0004779, MONDO:0007187.

Allele frequency attached by ClinVar (database versions not stated): ExAC 0.00003; TOPMed 0.00004; gnomAD exomes 0.00005 and 0.00006; gnomAD 0.00006.
gnomAD v4.1: 88 of 1,614,026 alleles (0.0055%); highest among the groups gnomAD compares: Non-Finnish European, 0.0071%; no homozygotes.

Submission:

Labcorp Genetics (formerly Invitae), Labcorp
Classification: Uncertain significance for Gorlin syndrome. Last evaluated: 2023-12-14. Review status: criteria provided, single submitter. Criteria: Invitae Variant Classification Sherloc (09022015). Collection method: clinical testing. Allele origin: germline.
Comment: This sequence change replaces lysine, which is basic and polar, with glutamic acid, which is acidic and polar, at codon 289 of the PTCH2 protein (p.Lys289Glu). This variant is present in population databases (rs766393257, gnomAD 0.01%). This variant has not been reported in the literature in individuals affected with PTCH2-related conditions. ClinVar contains an entry for this variant (Variation ID: 524545). Advanced modeling of protein sequence and biophysical properties (such as structural, functional, and spatial information, amino acid conservation, physicochemical variation, residue mobility, and thermodynamic stability) performed at Invitae indicates that this missense variant is not expected to disrupt PTCH2 protein function with a negative predictive value of 80%. In summary, the available evidence is currently insufficient to determine the role of this variant in disease. Therefore, it has been classified as a Variant of Uncertain Significance.

NM_003738.5(PTCH2):c.865A>G (p.Lys289Glu)

Gene: PTCH2 (patched 2; minus strand). Cytogenetic location: 1p34.1.
Variant type: single nucleotide variant.
Coding change: c.865A>G on transcript NM_003738.5 (MANE Select); coding-DNA position 865, A replaced by G.
Protein change: p.Lys289Glu; replaces lysine 289 with glutamic acid.
Molecular consequence: missense variant.
Genome position (GRCh38, 1-based): chr1:44,829,979, T>C on the plus strand (A>G on the coding strand, the complement: PTCH2 is on the minus strand). VCF-style: chr1-44829979-T-C. GRCh37 (hg19) VCF-style: chr1-45295651-T-C.
Other names: c.865A>G, p.Lys289Glu (NM_001166292.2); short protein forms K289E.
Identifiers: ClinVar variation 524545 (VCV000524545.9), dbSNP rs766393257, ClinGen allele CA823503.